The following is an entry in ClinVar:

ClinVar aggregate classification (germline): Uncertain significance (1 of 4 stars; one submission).

gnomAD v4.1: 27 of 1,614,190 alleles (0.0017%); highest among the groups gnomAD compares: Non-Finnish European, 0.0023%; no homozygotes.

Submission:

Labcorp Genetics (formerly Invitae), Labcorp
Classification: Uncertain significance. Last evaluated: 2021-02-22. Review status: criteria provided, single submitter. Criteria: Invitae Variant Classification Sherloc (09022015). Collection method: clinical testing. Allele origin: germline.
Comment: This sequence change replaces histidine with arginine at codon 714 of the CEP250 protein (p.His714Arg). The histidine residue is moderately conserved and there is a small physicochemical difference between histidine and arginine. This variant is not present in population databases (ExAC no frequency). This variant has not been reported in the literature in individuals with CEP250-related conditions. Algorithms developed to predict the effect of missense changes on protein structure and function output the following: SIFT: "Not Available"; PolyPhen-2: "Benign"; Align-GVGD: "Not Available". The arginine amino acid residue is found in multiple mammalian species, suggesting that this missense change does not adversely affect protein function. These predictions have not been confirmed by published functional studies and their clinical significance is uncertain. In summary, the available evidence is currently insufficient to determine the role of this variant in disease. Therefore, it has been classified as a Variant of Uncertain Significance.

NM_007186.6(CEP250):c.2141A>G (p.His714Arg)

Genes: CEP250 (centrosomal protein 250; plus strand), CEP250-AS1 (CEP250 antisense RNA 1; minus strand). Cytogenetic location: 20q11.22.
Variant type: single nucleotide variant.
Coding change: c.2141A>G on transcript NM_007186.6 (MANE Select); coding-DNA position 2141, A replaced by G.
Protein change: p.His714Arg; replaces histidine 714 with arginine.
Molecular consequence: missense variant.
Genome position (GRCh38, 1-based): chr20:35,479,277, A>G. VCF-style: chr20-35479277-A-G. GRCh37 (hg19) VCF-style: chr20-34067102-A-G.
Other names: c.245A>G, p.His82Arg (NM_001318219.1); short protein forms H714R, H82R.
Identifiers: ClinVar variation 1467850 (VCV001467850.6), dbSNP rs2146875731, ClinGen allele CA408768724.